The following is an entry in ClinVar:

NM_001164508.2(NEB):c.17452G>C (p.Glu5818Gln)

Gene: NEB (nebulin; minus strand). Cytogenetic location: 2q23.3.
Variant type: single nucleotide variant.
Coding change: c.17452G>C on transcript NM_001164508.2 (MANE Select); coding-DNA position 17452, G replaced by C.
Protein change: p.Glu5818Gln; replaces glutamic acid 5818 with glutamine.
Molecular consequence: missense variant.
Genome position (GRCh38, 1-based): chr2:151,569,351, C>G on the plus strand (G>C on the coding strand, the complement: NEB is on the minus strand). VCF-style: chr2-151569351-C-G. GRCh37 (hg19) VCF-style: chr2-152425865-C-G.
Other names: c.17452G>C, p.Glu5818Gln (NM_001164507.2, NM_001271208.2); c.12349G>C, p.Glu4117Gln (NM_004543.5); short protein forms E4117Q, E5818Q.
Identifiers: ClinVar variation 1404039 (VCV001404039.7), dbSNP rs1193153766, ClinGen allele CA348806142.
Genomic context (GRCh38, chr2:151,569,351, plus strand): 5'-GTTTGGCATGATTGACGGACACGGAGTCATTTGGCATCCACCCAATTCCACGCAACCATT[C>G]CAAGTCAGCCTTGTAAACATTCTGTGAAAACAGGGCCAGAATGAGTTCAGCAACCCTGGT-3'
Protein context (NP_001157980.2, residues 5808-5828): QSDNVYKADL[Glu5818Gln]WLRGIGWMPN

ClinVar aggregate classification (germline): Uncertain significance (1 of 4 stars; one submission).

Conditions:
Nemaline myopathy 2 (NEM2). Also called: Nemaline myopathy 2, autosomal recessive. Identifiers: MedGen C1850569, MONDO:0009725, OMIM 256030.

Submission:

Labcorp Genetics (formerly Invitae), Labcorp
Classification: Uncertain significance for Nemaline myopathy 2. Last evaluated: 2024-02-23. Review status: criteria provided, single submitter. Criteria: Invitae Variant Classification Sherloc (09022015). Collection method: clinical testing. Allele origin: germline.
Comment: This sequence change replaces glutamic acid, which is acidic and polar, with glutamine, which is neutral and polar, at codon 5818 of the NEB protein (p.Glu5818Gln). This variant is not present in population databases (gnomAD no frequency). This variant has not been reported in the literature in individuals affected with NEB-related conditions. ClinVar contains an entry for this variant (Variation ID: 1404039). Experimental studies and prediction algorithms are not available or were not evaluated, and the functional significance of this variant is currently unknown. In summary, the available evidence is currently insufficient to determine the role of this variant in disease. Therefore, it has been classified as a Variant of Uncertain Significance.